The following is an entry in ClinVar:

NM_001089.3(ABCA3):c.1187A>G (p.Tyr396Cys)

Gene: ABCA3 (ATP binding cassette subfamily A member 3; minus strand). Cytogenetic location: 16p13.3.
Variant type: single nucleotide variant.
Coding change: c.1187A>G on transcript NM_001089.3 (MANE Select); coding-DNA position 1187, A replaced by G.
Protein change: p.Tyr396Cys; replaces tyrosine 396 with cysteine.
Molecular consequence: missense variant.
Genome position (GRCh38, 1-based): chr16:2,308,548, T>C on the plus strand (A>G on the coding strand, the complement: ABCA3 is on the minus strand). VCF-style: chr16-2308548-T-C. GRCh37 (hg19) VCF-style: chr16-2358549-T-C.
Other names: short protein forms Y396C.
Identifiers: ClinVar variation 3280553 (VCV003280553.3).

ClinVar aggregate classification (germline): Uncertain significance. Review status: criteria provided, multiple submitters, no conflicts (2 of 4 stars). 2 submissions from 2 submitters: Uncertain significance (2). Last evaluated 2024-12-04.

Conditions:
Hereditary pulmonary alveolar proteinosis. Also called: Pulmonary surfactant metabolism dysfunction. Identifiers: Orphanet 264675, MedGen C3711368, MONDO:0012580.

gnomAD v4.1: 6 of 1,614,082 alleles (0.00037%); highest among the groups gnomAD compares: Admixed American, 0.005%; no homozygotes.

Submissions (2):

Labcorp Genetics (formerly Invitae), Labcorp
Classification: Uncertain significance. Last evaluated: 2024-12-04. Review status: criteria provided, single submitter. Criteria: Invitae Variant Classification Sherloc (09022015). Collection method: clinical testing. Allele origin: germline.
Comment: This sequence change replaces tyrosine, which is neutral and polar, with cysteine, which is neutral and slightly polar, at codon 396 of the ABCA3 protein (p.Tyr396Cys). This variant is present in population databases (rs758659830, gnomAD 0.003%). This variant has not been reported in the literature in individuals affected with ABCA3-related conditions. An algorithm developed to predict the effect of missense changes on protein structure and function (PolyPhen-2) suggests that this variant is likely to be disruptive. In summary, the available evidence is currently insufficient to determine the role of this variant in disease. Therefore, it has been classified as a Variant of Uncertain Significance.

Ambry Genetics
Classification: Uncertain significance for Hereditary pulmonary alveolar proteinosis. Last evaluated: 2024-06-04. Review status: criteria provided, single submitter. Criteria: Ambry Variant Classification Scheme 2023. Collection method: clinical testing. Allele origin: germline.